The following is an entry in ClinVar:

NM_005585.5(SMAD6):c.281C>T (p.Ser94Leu)

Gene: SMAD6 (SMAD family member 6; plus strand). Cytogenetic location: 15q22.31.
Variant type: single nucleotide variant.
Coding change: c.281C>T on transcript NM_005585.5 (MANE Select); coding-DNA position 281, C replaced by T.
Protein change: p.Ser94Leu; replaces serine 94 with leucine.
Molecular consequence: missense variant. On other transcripts: non-coding transcript variant (1).
Genome position (GRCh38, 1-based): chr15:66,703,539, C>T. VCF-style: chr15-66703539-C-T. GRCh37 (hg19) VCF-style: chr15-66995877-C-T.
Other names: short protein forms S94L.
Identifiers: ClinVar variation 2885797 (VCV002885797.3), dbSNP rs1018149523, ClinGen allele CA271682810.
Genomic context (GRCh38, chr15:66,703,539, plus strand): 5'-AGCGAGGCGCCCAGGGCGCGGGGAGGCGCCGGCGCGCAGGGGGCCCCCCGAGGCCCATGT[C>T]GGAGCCAGGGGCCGGCGCTGGGAGCTCCCTGCTGGACGTGGCGGAGCCGGGAGGCCCGGG-3'
Protein context (NP_005576.3, residues 84-104): RRAGGPPRPM[Ser94Leu]EPGAGAGSSL

ClinVar aggregate classification (germline): Uncertain significance (1 of 4 stars; one submission).

Conditions:
Aortic valve disease 2 (AOVD2). Identifiers: MedGen C3542024, MONDO:0013902, OMIM 614823.

Allele frequency attached by ClinVar (database versions not stated): gnomAD 0.00003; TOPMed 0.00005.
gnomAD v4.1: 8 of 1,221,514 alleles (0.00065%); highest among the groups gnomAD compares: African/African-American, 0.0095%; no homozygotes.

Submission:

Labcorp Genetics (formerly Invitae), Labcorp
Classification: Uncertain significance for Aortic valve disease 2. Last evaluated: 2025-03-18. Review status: criteria provided, single submitter. Criteria: Invitae Variant Classification Sherloc (09022015). Collection method: clinical testing. Allele origin: germline.
Comment: This sequence change replaces serine, which is neutral and polar, with leucine, which is neutral and non-polar, at codon 94 of the SMAD6 protein (p.Ser94Leu). This variant is not present in population databases (gnomAD no frequency). This variant has not been reported in the literature in individuals affected with SMAD6-related conditions. ClinVar contains an entry for this variant (Variation ID: 2885797). An algorithm developed to predict the effect of missense changes on protein structure and function (PolyPhen-2) suggests that this variant is likely to be tolerated. In summary, the available evidence is currently insufficient to determine the role of this variant in disease. Therefore, it has been classified as a Variant of Uncertain Significance.